The following is an entry in ClinVar:

ClinVar aggregate classification (germline): Benign/Likely benign. Review status: criteria provided, multiple submitters, no conflicts (2 of 4 stars). 6 submissions from 6 submitters: Benign (1); Likely benign (5). Last evaluated 2025-12-15.

Conditions:
Hereditary cancer-predisposing syndrome. Also called: Hereditary neoplastic syndrome; Tumor predisposition; Neoplastic Syndromes, Hereditary; Hereditary Cancer Syndrome. Identifiers: Orphanet 140162, MedGen C0027672, MeSH D009386, MONDO:0015356.
Peutz-Jeghers syndrome (PJS). Also called: Peutz-Jeghers polyposis; Periorificial lentiginosis syndrome; POLYPOSIS, HAMARTOMATOUS INTESTINAL; POLYPS-AND-SPOTS SYNDROME. Identifiers: Orphanet 2869, MedGen C0031269, MeSH D010580, MONDO:0008280, OMIM 175200.

Allele frequency attached by ClinVar (database versions not stated): gnomAD exomes below 0.00001 and 0.00001; TOPMed 0.00001.
gnomAD v4.1: 14 of 1,593,904 alleles (0.00088%); highest among the groups gnomAD compares: Non-Finnish European, 0.0011%; no homozygotes.

Submissions (6):

Labcorp Genetics (formerly Invitae), Labcorp
Classification: Likely benign for Peutz-Jeghers syndrome. Last evaluated: 2025-12-15. Review status: criteria provided, single submitter. Criteria: Invitae Variant Classification Sherloc (09022015). Collection method: clinical testing. Allele origin: germline.

Myriad Genetics, Inc.
Classification: Benign for Peutz-Jeghers syndrome. Last evaluated: 2025-03-25. Review status: criteria provided, single submitter. Criteria: Myriad Autosomal Dominant, Autosomal Recessive and X-Linked Classification Criteria (2023). Collection method: clinical testing. Allele origin: unknown.
Comment: This variant is considered benign. This variant is a silent/synonymous amino acid change and it is not expected to impact splicing.

All of Us Research Program, National Institutes of Health
Classification: Likely benign for Peutz-Jeghers syndrome. Last evaluated: 2024-05-14. Review status: criteria provided, single submitter. Criteria: ACMG Guidelines, 2015. Collection method: clinical testing. Allele origin: germline. Inheritance: Autosomal dominant inheritance. Observed: 2 variant alleles, 2 heterozygotes.
Comment: This study involves interpretation of variants in research participants for the purpose of population health screening. Participant phenotype was not available at the time of variant classification. Additional details can be found in publication PMID: 35346344, PMCID: PMC8962531

Color Diagnostics, LLC DBA Color Health
Classification: Likely benign for Hereditary cancer-predisposing syndrome. Last evaluated: 2017-12-21. Review status: criteria provided, single submitter. Criteria: ACMG Guidelines, 2015. Collection method: clinical testing. Allele origin: germline.

GeneDx
Classification: Likely benign. Last evaluated: 2016-08-03. Review status: criteria provided, single submitter. Criteria: GeneDx Variant Classification (06012015). Collection method: clinical testing. Allele origin: germline. Affected: yes.
Comment: This variant is considered likely benign or benign based on one or more of the following criteria: it is a conservative change, it occurs at a poorly conserved position in the protein, it is predicted to be benign by multiple in silico algorithms, and/or has population frequency not consistent with disease.

Ambry Genetics
Classification: Likely benign for Hereditary cancer-predisposing syndrome. Last evaluated: 2015-03-04. Review status: criteria provided, single submitter. Criteria: Ambry Variant Classification Scheme 2023. Collection method: clinical testing. Allele origin: germline.

NM_000455.5(STK11):c.414A>G (p.Glu138=)

Gene: STK11 (serine/threonine kinase 11; plus strand). Cytogenetic location: 19p13.3.
Variant type: single nucleotide variant.
Coding change: c.414A>G on transcript NM_000455.5 (MANE Select); coding-DNA position 414, A replaced by G.
Protein change: p.Glu138=; no amino-acid change (glutamic acid 138 retained).
Molecular consequence: synonymous variant.
Genome position (GRCh38, 1-based): chr19:1,219,363, A>G. VCF-style: chr19-1219363-A-G. GRCh37 (hg19) VCF-style: chr19-1219362-A-G.
Identifiers: ClinVar variation 379899 (VCV000379899.21), dbSNP rs1045257509, ClinGen allele CA16608825.
Genomic context (GRCh38, chr19:1,219,363, plus strand): 5'-TGTGTGTCCTTAGCGCCCCACGTATATGGTGATGGAGTACTGCGTGTGTGGCATGCAGGA[A>G]ATGCTGGACAGCGTGCCGGAGAAGCGTTTCCCAGTGTGCCAGGCCCACGGGTGCGTGCGC-3'
Protein context (NP_000446.1, residues 128-148): VMEYCVCGMQ[Glu138=]MLDSVPEKRF